The following is an entry in ClinVar:

ClinVar aggregate classification (germline): Uncertain significance. Review status: criteria provided, multiple submitters, no conflicts (2 of 4 stars). 3 submissions from 3 submitters: Uncertain significance (3). Last evaluated 2025-07-09.

Conditions:
Episodic pain syndrome, familial, 2 (FEPS2). Identifiers: Orphanet 306577, MedGen C3809893, MONDO:0014246, OMIM 615551.
Cardiovascular phenotype. Identifiers: MedGen CN230736.
Brugada syndrome. Also called: Sudden unexplained nocturnal death syndrome; Sudden Unexplained Death Syndrome; Sudden Unexplained Nocturnal Death Syndrome (SUNDS); Sudden unexpected nocturnal death syndrome. Identifiers: Orphanet 130, MedGen C1142166, MONDO:0015263.

Allele frequency attached by ClinVar (database versions not stated): gnomAD 0.00001; TOPMed 0.00001.
gnomAD v4.1: 6 of 1,614,032 alleles (0.00037%); highest among the groups gnomAD compares: Non-Finnish European, 0.00042%; no homozygotes.

Submissions (3):

Labcorp Genetics (formerly Invitae), Labcorp
Classification: Uncertain significance for Brugada syndrome. Last evaluated: 2025-07-09. Review status: criteria provided, single submitter. Criteria: Invitae Variant Classification Sherloc (09022015). Collection method: clinical testing. Allele origin: germline.
Comment: This sequence change replaces tyrosine, which is neutral and polar, with cysteine, which is neutral and slightly polar, at codon 1174 of the SCN10A protein (p.Tyr1174Cys). This variant is not present in population databases (gnomAD no frequency). This variant has not been reported in the literature in individuals affected with SCN10A-related conditions. ClinVar contains an entry for this variant (Variation ID: 570243). Invitae Evidence Modeling of protein sequence and biophysical properties (such as structural, functional, and spatial information, amino acid conservation, physicochemical variation, residue mobility, and thermodynamic stability) indicates that this missense variant is not expected to disrupt SCN10A protein function with a negative predictive value of 80%. In summary, the available evidence is currently insufficient to determine the role of this variant in disease. Therefore, it has been classified as a Variant of Uncertain Significance.

Ambry Genetics
Classification: Uncertain significance for Cardiovascular phenotype. Last evaluated: 2025-04-11. Review status: criteria provided, single submitter. Criteria: Ambry Variant Classification Scheme 2023. Collection method: clinical testing. Allele origin: germline.

GeneDx
Classification: Uncertain significance. Last evaluated: 2022-11-07. Review status: criteria provided, single submitter. Criteria: GeneDx Variant Classification Process June 2021. Collection method: clinical testing. Allele origin: germline. Affected: yes.
Comment: Not observed at significant frequency in large population cohorts (gnomAD); In silico analysis supports that this missense variant does not alter protein structure/function; Has not been previously published as pathogenic or benign to our knowledge

NM_006514.4(SCN10A):c.3521A>G (p.Tyr1174Cys)

Gene: SCN10A (sodium voltage-gated channel alpha subunit 10; minus strand). Cytogenetic location: 3p22.2.
Variant type: single nucleotide variant.
Coding change: c.3521A>G on transcript NM_006514.4 (MANE Select); coding-DNA position 3521, A replaced by G.
Protein change: p.Tyr1174Cys; replaces tyrosine 1174 with cysteine.
Molecular consequence: missense variant.
Genome position (GRCh38, 1-based): chr3:38,718,813, T>C on the plus strand (A>G on the coding strand, the complement: SCN10A is on the minus strand). VCF-style: chr3-38718813-T-C. GRCh37 (hg19) VCF-style: chr3-38760304-T-C.
Other names: c.3521A>G (NM_006514.2); c.3518A>G, p.Tyr1173Cys (NM_001293306.2); c.3227A>G, p.Tyr1076Cys (NM_001293307.2); short protein forms Y1174C, Y1173C, Y1076C.
Identifiers: ClinVar variation 570243 (VCV000570243.11), dbSNP rs1167279918, ClinGen allele CA352153567.
Genomic context (GRCh38, chr3:38,718,813, plus strand): 5'-GTGAAGACCCTGTCAGTGTACTCCAGCAAAGCTTTCACCGTGGGCTTCTGGTCCAGGTAA[T>C]AGTCTTCAAAGGCCTGGAAGGAAGAAAGGATGCAGAATGGCAGGCTGCCTGGACCCACAG-3'
Protein context (NP_006505.4, residues 1164-1184): LSSGSLAFED[Tyr1174Cys]YLDQKPTVKA